The following is an entry in ClinVar:

NM_002485.5(NBN):c.1097delinsTGTATAAGAGACAGT (p.Asp366fs)

Gene: NBN (nibrin; minus strand). Cytogenetic location: 8q21.3.
Variant type: Indel.
Coding change: c.1097delinsTGTATAAGAGACAGT on transcript NM_002485.5 (MANE Select); coding-DNA position 1097, A replaced by TGTATAAGAGACAGT.
Protein change: p.Asp366fs; shifts the reading frame from aspartic acid 366.
Molecular consequence: frameshift variant.
Genome position (GRCh38, 1-based): chr8:89,958,752, T replaced by ACTGTCTCTTATACA on the plus strand (A replaced by TGTATAAGAGACAGT on the coding strand, the reverse complement: NBN is on the minus strand). VCF-style: chr8-89958752-T-ACTGTCTCTTATACA. GRCh37 (hg19) VCF-style: chr8-90970980-T-ACTGTCTCTTATACA.
Other names: c.851delinsTGTATAAGAGACAGT, p.Asp284fs (NM_001024688.3, NM_001440379.1, NM_001440380.1); short protein forms D284fs, D366fs.
Identifiers: ClinVar variation 5012349 (VCV005012349.1).

ClinVar aggregate classification (germline): Pathogenic (1 of 4 stars; one submission).

Conditions:
Microcephaly, normal intelligence and immunodeficiency (NBS). Also called: IMMUNODEFICIENCY, MICROCEPHALY, AND CHROMOSOMAL INSTABILITY; SEEMANOVA SYNDROME II; Nijmegen breakage syndrome; Microcephaly with normal intelligence immunodeficiency and lymphoreticular malignancies; Nonsyndromal microcephaly autosomal recessive with normal intelligence; Seemanova syndrome 2. Identifiers: Orphanet 647, MedGen C0398791, MONDO:0009623, OMIM 251260.

Submission:

Myriad Genetics, Inc.
Classification: Pathogenic for Microcephaly, normal intelligence and immunodeficiency. Last evaluated: 2023-10-01. Review status: criteria provided, single submitter. Criteria: Myriad Autosomal Dominant, Autosomal Recessive and X-Linked Classification Criteria (2023). Collection method: clinical testing. Allele origin: unknown.
Comment: NM_002485.4(NBN):c.1097del1ins15(D366Vfs*17) is expected to be pathogenic in the context of Nijmegen breakage syndrome. This variant is predicted to lead to an abnormal or absent protein product due to the creation of a premature termination codon in NBN, a gene where loss-of-function variants are known to be pathogenic. Please note: this variant was assessed in the context of healthy population screening.